The following is an entry in ClinVar:

ClinVar aggregate classification (germline): Conflicting classifications of pathogenicity. Review status: criteria provided, conflicting classifications (1 of 4 stars). 3 submissions from 3 submitters: Uncertain significance (2); Benign (1). Last evaluated 2025-09-01.

Conditions:
Primary familial hypertrophic cardiomyopathy (HCM). Identifiers: Orphanet 99739, MedGen C0949658, MeSH D024741, MONDO:0024573. Inheritance: Various modes of inheritance.

Submissions (3):

CeGaT Center for Human Genetics Tuebingen
Classification: Uncertain significance. Last evaluated: 2025-09-01. Review status: criteria provided, single submitter. Criteria: CeGaT Center For Human Genetics Tuebingen Variant Classification Criteria Version 2. Collection method: clinical testing. Allele origin: germline. Affected: yes. Observed: 1 variant allele.
Comment: TPM1: PM2

Molecular Diagnostic Laboratory for Inherited Cardiovascular Disease, Montreal Heart Institute
Classification: Benign. Last evaluated: 2025-04-09. Review status: criteria provided, single submitter. Criteria: ACMG Guidelines, 2015. Collection method: clinical testing. Allele origin: germline. Affected: no.

Women's Health and Genetics/Laboratory Corporation of America, LabCorp
Classification: Uncertain significance for Hypertrophic Cardiomyopathy. Last evaluated: 2011-08-18. Review status: criteria provided, single submitter. Criteria: LabCorp Variant Classification Summary - May 2015. Collection method: curation. Allele origin: germline. Inheritance: autosomal unknown. Affected: yes.
ClinVar note: Converted during submission from uncertain to Uncertain significance.

NM_001018005.2(TPM1):c.772+94_772+99delinsTT

Gene: TPM1 (tropomyosin 1; plus strand). Cytogenetic location: 15q22.2.
Variant type: Indel.
Coding change: c.772+94_772+99delinsTT on transcript NM_001018005.2 (MANE Select); bases 94 to 99 of the intron after coding-DNA position 772, CGCTCC replaced by TT.
Molecular consequence: intron variant.
Genome position (GRCh38, 1-based): chr15:63,062,739-63,062,744, CGCTCC replaced by TT. VCF-style: chr15-63062739-CGCTCC-TT. GRCh37 (hg19) VCF-style: chr15-63354938-CGCTCC-TT.
Other names: c.772+94_772+99delCGCTCCinsTT (NM_001018005.1); c.772+94_772+99delinsTT (NM_001018005.1, NM_001018020.2, NM_001018007.2 and 7 more transcripts); c.898+94_898+99delinsTT (NM_001365778.1); c.664+94_664+99delinsTT (NM_001330351.2, NM_001330344.2, NM_001018008.2 and 5 more transcripts).
Identifiers: ClinVar variation 36888 (VCV000036888.12), dbSNP rs397515630, ClinGen allele CA018337.